The following is an entry in ClinVar:

ClinVar aggregate classification (germline): Likely pathogenic (1 of 4 stars; one submission).

Conditions:
Capillary malformation-arteriovenous malformation 1 (CMAVM1). Identifiers: Orphanet 137667, Orphanet 693907, MedGen C4747394, MONDO:0020783, OMIM 608354.

Submission:

Molecular Genetics Laboratory, Motol Hospital
Classification: Likely pathogenic for Capillary malformation-arteriovenous malformation 1. Last evaluated: 2024-10-14. Review status: criteria provided, single submitter. Criteria: ACMG Guidelines, 2015. Collection method: clinical testing. Allele origin: germline. Affected: yes. Observed: 1 variant allele.
Comment: The variant is rare as it is not present in the gnomAD database (v4.1.0). De novo heterozygous truncating variants (nonsense, frameshift) leading to the RASA1 gene haploinsufficiency were found in multiple individuals with RASA1-related disorder "capillary malformation-arteriovenous malformation 1) (autosomal dominant inheritance). The parental DNA samples have not been available for testing so far. To conclude, the variant is classified as likely pathogenic (ACMG PVS1, PM2).

Literature cited by the submitters: PubMed 29891884; PubMed 37767822; PubMed 24038909; PubMed 26499346.

NM_002890.3(RASA1):c.2590G>T (p.Glu864Ter)

Genes: CCNH (cyclin H; minus strand), RASA1 (RAS p21 protein activator 1; plus strand). Cytogenetic location: 5q14.3.
Variant type: single nucleotide variant.
Coding change: c.2590G>T on transcript NM_002890.3 (MANE Select); coding-DNA position 2590, G replaced by T.
Protein change: p.Glu864Ter; replaces glutamic acid 864 with a stop codon.
Molecular consequence: nonsense. On other transcripts: intron variant (1).
Genome position (GRCh38, 1-based): chr5:87,379,837, G>T. VCF-style: chr5-87379837-G-T. GRCh37 (hg19) VCF-style: chr5-86675654-G-T.
Other names: c.2059G>T, p.Glu687Ter (NM_022650.3); c.933+15207C>A (NM_001364075.2); short protein forms E687*, E864*.
Identifiers: ClinVar variation 3362905 (VCV003362905.2).